The following is an entry in ClinVar:

ClinVar aggregate classification (germline): Likely benign (1 of 4 stars; one submission).

Allele frequency attached by ClinVar (database versions not stated): TOPMed 0.00013; gnomAD 0.00014; 1000 Genomes Project 0.00053; 1000 Genomes Project 30x 0.00062.

Submission:

CeGaT Center for Human Genetics Tuebingen
Classification: Likely benign. Last evaluated: 2022-12-01. Review status: criteria provided, single submitter. Criteria: CeGaT Center For Human Genetics Tuebingen Variant Classification Criteria Version 2. Collection method: clinical testing. Allele origin: germline. Affected: yes. Observed: 1 variant allele.
Comment: PGRMC1: BS2

NC_000023.11:g.119250286G>A

Gene: PGRMC1 (progesterone receptor membrane component 1; plus strand). Cytogenetic location: Xq24.
Variant type: single nucleotide variant.
Molecular consequence: non-coding transcript variant (on NR_171575.1).
Genome position: GRCh38 VCF-style: chrX-119250286-G-A. GRCh37 (hg19) VCF-style: chrX-118384249-G-A.
Identifiers: ClinVar variation 2661290 (VCV002661290.24), dbSNP rs746648732, ClinGen allele CA334953250.